The following is an entry in ClinVar:

NM_001029896.2(WDR45):c.892del (p.Ala298fs)

Gene: WDR45 (WD repeat domain 45; minus strand). Cytogenetic location: Xp11.23.
Variant type: Deletion.
Coding change: c.892del on transcript NM_001029896.2 (MANE Select); coding-DNA position 892, one base deleted (G; older notation c.892delG).
Protein change: p.Ala298fs; shifts the reading frame from alanine 298.
Molecular consequence: frameshift variant.
Genome position (GRCh38, 1-based): chrX:49,075,217, C deleted on the plus strand (G on the coding strand, the reverse complement: WDR45 is on the minus strand); the first of 2 consecutive C bases (chrX:49,075,217-49,075,218); deleting either gives the same sequence. VCF-style (leftmost placement, unchanged base first): chrX-49075216-GC-G. GRCh37 (hg19) VCF-style: chrX-48932875-GC-G.
Other names: c.895del, p.Ala299fs (NM_007075.4); short protein forms A298fs, A299fs.
Identifiers: ClinVar variation 2444398 (VCV002444398.1), dbSNP rs2520260272, ClinGen allele CA2580101066.

ClinVar aggregate classification (germline): Likely pathogenic (1 of 4 stars; one submission).

Conditions:
Neurodegeneration with brain iron accumulation 5 (NBIA5). Also called: STATIC ENCEPHALOPATHY OF CHILDHOOD WITH NEURODEGENERATION IN ADULTHOOD; Beta-propeller protein-associated neurodegeneration. Identifiers: Orphanet 329284, MedGen C3550973, MONDO:0010476, OMIM 300894.

Submission:

3billion
Classification: Likely pathogenic for Neurodegeneration with brain iron accumulation 5. Last evaluated: 2023-02-23. Review status: criteria provided, single submitter. Criteria: ACMG Guidelines, 2015. Collection method: clinical testing. Allele origin: unknown. Affected: yes.
Comment: The variant is not observed in the gnomAD v2.1.1 dataset. This variant was predicted to result in a loss or disruption of normal protein function through nonsense-mediated decay (NMD) or protein truncation. Multiple pathogenic variants are reported downstream of the variant. Therefore, this variant is classified as Likely pathogenic according to the recommendation of ACMG/AMP guideline.